The following is an entry in ClinVar:

NM_002691.4(POLD1):c.574C>G (p.Leu192Val)

Gene: POLD1 (DNA polymerase delta 1, catalytic subunit; plus strand). Cytogenetic location: 19q13.33.
Variant type: single nucleotide variant.
Coding change: c.574C>G on transcript NM_002691.4 (MANE Select); coding-DNA position 574, C replaced by G.
Protein change: p.Leu192Val; replaces leucine 192 with valine.
Molecular consequence: missense variant. On other transcripts: non-coding transcript variant (1).
Genome position (GRCh38, 1-based): chr19:50,402,109, C>G. VCF-style: chr19-50402109-C-G. GRCh37 (hg19) VCF-style: chr19-50905366-C-G.
Other names: c.574C>G, p.Leu192Val (NM_001256849.1, NM_001308632.1); c.574C>G (NM_002691.2); short protein forms L192V.
Identifiers: ClinVar variation 944927 (VCV000944927.8), dbSNP rs374937343, ClinGen allele CA406973440.

ClinVar aggregate classification (germline): Uncertain significance. Review status: criteria provided, multiple submitters, no conflicts (2 of 4 stars). 3 submissions from 3 submitters: Uncertain significance (3). Last evaluated 2025-06-28.

Conditions:
POLD1-related polyposis and colorectal cancer syndrome (CRCS10). Also called: Colorectal cancer 10; COLORECTAL CANCER, SUSCEPTIBILITY TO, ON CHROMOSOME 19q; Colorectal cancer, susceptibility to, 10. Identifiers: Orphanet 220460, MedGen C2675481, MONDO:0012953, OMIM 612591.
Hereditary cancer-predisposing syndrome. Also called: Hereditary neoplastic syndrome; Tumor predisposition; Neoplastic Syndromes, Hereditary; Hereditary Cancer Syndrome. Identifiers: Orphanet 140162, MedGen C0027672, MeSH D009386, MONDO:0015356.

Submissions (3):

Ambry Genetics
Classification: Uncertain significance for Hereditary cancer-predisposing syndrome. Last evaluated: 2025-06-28. Review status: criteria provided, single submitter. Criteria: Ambry Variant Classification Scheme 2023. Collection method: clinical testing. Allele origin: germline.
Comment: The p.L192V variant (also known as c.574C>G), located in coding exon 4 of the POLD1 gene, results from a C to G substitution at nucleotide position 574. The leucine at codon 192 is replaced by valine, an amino acid with highly similar properties. This amino acid position is conserved. In addition, this alteration is predicted to be tolerated by in silico analysis. Based on the available evidence, the clinical significance of this variant remains unclear.

Labcorp Genetics (formerly Invitae), Labcorp
Classification: Uncertain significance for POLD1-related polyposis and colorectal cancer syndrome. Last evaluated: 2025-04-08. Review status: criteria provided, single submitter. Criteria: Invitae Variant Classification Sherloc (09022015). Collection method: clinical testing. Allele origin: germline.
Comment: This sequence change replaces leucine, which is neutral and non-polar, with valine, which is neutral and non-polar, at codon 192 of the POLD1 protein (p.Leu192Val). This variant is not present in population databases (gnomAD no frequency). This variant has not been reported in the literature in individuals affected with POLD1-related conditions. ClinVar contains an entry for this variant (Variation ID: 944927). Invitae Evidence Modeling of protein sequence and biophysical properties (such as structural, functional, and spatial information, amino acid conservation, physicochemical variation, residue mobility, and thermodynamic stability) indicates that this missense variant is not expected to disrupt POLD1 protein function with a negative predictive value of 80%. In summary, the available evidence is currently insufficient to determine the role of this variant in disease. Therefore, it has been classified as a Variant of Uncertain Significance.

Women's Health and Genetics/Laboratory Corporation of America, LabCorp
Classification: Uncertain significance. Last evaluated: 2022-01-10. Review status: criteria provided, single submitter. Criteria: LabCorp Variant Classification Summary - May 2015. Collection method: clinical testing. Allele origin: germline.